The following is an entry in ClinVar:

ClinVar aggregate classification (germline): Uncertain significance (1 of 4 stars; one submission).

Conditions:
Juvenile polyposis syndrome (JPS). Identifiers: Orphanet 2929, MedGen C0345893, MONDO:0017380, OMIM 174900.

Submission:

Labcorp Genetics (formerly Invitae), Labcorp
Classification: Uncertain significance for Juvenile polyposis syndrome. Last evaluated: 2023-07-16. Review status: criteria provided, single submitter. Criteria: Invitae Variant Classification Sherloc (09022015). Collection method: clinical testing. Allele origin: germline.
Comment: In summary, the available evidence is currently insufficient to determine the role of this variant in disease. Therefore, it has been classified as a Variant of Uncertain Significance. Advanced modeling of protein sequence and biophysical properties (such as structural, functional, and spatial information, amino acid conservation, physicochemical variation, residue mobility, and thermodynamic stability) has been performed at Invitae for this missense variant, however the output from this modeling did not meet the statistical confidence thresholds required to predict the impact of this variant on SMAD4 protein function. This variant has not been reported in the literature in individuals affected with SMAD4-related conditions. This variant is not present in population databases (gnomAD no frequency). This sequence change replaces valine, which is neutral and non-polar, with alanine, which is neutral and non-polar, at codon 350 of the SMAD4 protein (p.Val350Ala).

NM_005359.6(SMAD4):c.1049T>C (p.Val350Ala)

Gene: SMAD4 (SMAD family member 4; plus strand). Cytogenetic location: 18q21.2.
Variant type: single nucleotide variant.
Coding change: c.1049T>C on transcript NM_005359.6 (MANE Select); coding-DNA position 1049, T replaced by C.
Protein change: p.Val350Ala; replaces valine 350 with alanine.
Molecular consequence: missense variant. On other transcripts: non-coding transcript variant (2).
Genome position (GRCh38, 1-based): chr18:51,065,516, T>C. VCF-style: chr18-51065516-T-C. GRCh37 (hg19) VCF-style: chr18-48591886-T-C.
Other names: c.1049T>C, p.Val350Ala (NM_001407041.1, NM_001407042.1, NM_001407043.1); short protein forms V350A.
Identifiers: ClinVar variation 2743950 (VCV002743950.3), dbSNP rs2144447073, ClinGen allele CA402464283.
Genomic context (GRCh38, chr18:51,065,516, plus strand): 5'-AAATGGATGTTCAGGTAGGAGAGACATTTAAGGTTCCTTCAAGCTGCCCTATTGTTACTG[T>C]TGATGGATACGTGGACCCTTCTGGAGGAGATCGCTTTTGTTTGGGTCAACTCTCCAATGT-3'
Protein context (NP_005350.1, residues 340-360): KVPSSCPIVT[Val350Ala]DGYVDPSGGD